The following is an entry in ClinVar:

NM_001385641.1(SAMD11):c.2492C>T (p.Ala831Val)

Gene: SAMD11 (sterile alpha motif domain containing 11; plus strand). Cytogenetic location: 1p36.33.
Variant type: single nucleotide variant.
Coding change: c.2492C>T on transcript NM_001385641.1 (MANE Select); coding-DNA position 2492, C replaced by T.
Protein change: p.Ala831Val; replaces alanine 831 with valine.
Molecular consequence: missense variant.
Genome position (GRCh38, 1-based): chr1:944,110, C>T. VCF-style: chr1-944110-C-T. GRCh37 (hg19) VCF-style: chr1-879490-C-T.
Other names: c.2495C>T, p.Ala832Val (NM_001385640.1); c.2003C>T, p.Ala668Val (NM_152486.4); short protein forms A832V, A668V, A831V.
Identifiers: ClinVar variation 1039324 (VCV001039324.7), dbSNP rs376960675, ClinGen allele CA503442.

ClinVar aggregate classification (germline): Uncertain significance (1 of 4 stars; one submission).

Allele frequency attached by ClinVar (database versions not stated): gnomAD 0.00001 and 0.00003; TOPMed 0.00001; 1000 Genomes Project 30x 0.00016; 1000 Genomes Project 0.00020.
gnomAD v4.1: 54 of 1,606,744 alleles (0.0034%); highest among the groups gnomAD compares: South Asian, 0.032%; no homozygotes.

Submission:

Labcorp Genetics (formerly Invitae), Labcorp
Classification: Uncertain significance. Last evaluated: 2024-12-16. Review status: criteria provided, single submitter. Criteria: Invitae Variant Classification Sherloc (09022015). Collection method: clinical testing. Allele origin: germline.
Comment: This sequence change replaces alanine, which is neutral and non-polar, with valine, which is neutral and non-polar, at codon 668 of the SAMD11 protein (p.Ala668Val). This variant is present in population databases (rs376960675, gnomAD 0.08%). This variant has not been reported in the literature in individuals affected with SAMD11-related conditions. ClinVar contains an entry for this variant (Variation ID: 1039324). An algorithm developed to predict the effect of missense changes on protein structure and function (PolyPhen-2) suggests that this variant¬†is likely to be tolerated. In summary, the available evidence is currently insufficient to determine the role of this variant in disease. Therefore, it has been classified as a Variant of Uncertain Significance.